The following is an entry in ClinVar:

ClinVar aggregate classification (germline): Uncertain significance. Review status: criteria provided, multiple submitters, no conflicts (2 of 4 stars). 2 submissions from 2 submitters: Uncertain significance (2). Last evaluated 2023-08-27.

Conditions:
Nephrolithiasis/nephrocalcinosis. Identifiers: MedGen CN580796.
Familial hypocalciuric hypercalcemia (FHH). Also called: Familial benign hypercalcemia. Identifiers: Orphanet 405, MedGen C1809471, MONDO:0018458.
Autosomal dominant hypocalcemia 1 (HYPOC1). Also called: HYPOCALCEMIA, FAMILIAL. Identifiers: MedGen C3715128, MONDO:0011013, OMIM 601198.

Allele frequency attached by ClinVar (database versions not stated): gnomAD exomes below 0.00001; ExAC 0.00001.

Submissions (2):

Labcorp Genetics (formerly Invitae), Labcorp
Classification: Uncertain significance for Familial hypocalciuric hypercalcemia; Autosomal dominant hypocalcemia 1. Last evaluated: 2023-08-27. Review status: criteria provided, single submitter. Criteria: Invitae Variant Classification Sherloc (09022015). Collection method: clinical testing. Allele origin: germline.
Comment: ClinVar contains an entry for this variant (Variation ID: 1035980). This variant has not been reported in the literature in individuals affected with CASR-related conditions. This variant is present in population databases (rs778591886, gnomAD 0.0009%). This sequence change replaces phenylalanine, which is neutral and non-polar, with leucine, which is neutral and non-polar, at codon 924 of the CASR protein (p.Phe924Leu). An algorithm developed to predict the effect of missense changes on protein structure and function (PolyPhen-2) suggests that this variant is likely to be tolerated. In summary, the available evidence is currently insufficient to determine the role of this variant in disease. Therefore, it has been classified as a Variant of Uncertain Significance.

Ambry Genetics
Classification: Uncertain significance for Nephrolithiasis/nephrocalcinosis. Last evaluated: 2023-02-08. Review status: criteria provided, single submitter. Criteria: Ambry Variant Classification Scheme 2023. Collection method: clinical testing. Allele origin: germline.
Comment: The p.F924L variant (also known as c.2770T>C), located in coding exon 6 of the CASR gene, results from a T to C substitution at nucleotide position 2770. The phenylalanine at codon 924 is replaced by leucine, an amino acid with highly similar properties. This amino acid position is conserved. In addition, the in silico prediction for this alteration is inconclusive. Since supporting evidence is limited at this time, the clinical significance of this alteration remains unclear.

NM_000388.4(CASR):c.2770T>C (p.Phe924Leu)

Gene: CASR (calcium sensing receptor; plus strand). Cytogenetic location: 3q21.1.
Variant type: single nucleotide variant.
Coding change: c.2770T>C on transcript NM_000388.4 (MANE Select); coding-DNA position 2770, T replaced by C.
Protein change: p.Phe924Leu; replaces phenylalanine 924 with leucine.
Molecular consequence: missense variant.
Genome position (GRCh38, 1-based): chr3:122,284,724, T>C. VCF-style: chr3-122284724-T-C. GRCh37 (hg19) VCF-style: chr3-122003571-T-C.
Other names: c.2800T>C, p.Phe934Leu (NM_001178065.2); c.2770T>C (NM_000388.3); short protein forms F934L, F924L.
Identifiers: ClinVar variation 1035980 (VCV001035980.11), dbSNP rs778591886, ClinGen allele CA2569863.